The following is an entry in ClinVar:

NM_000124.4(ERCC6):c.1901A>G (p.Asp634Gly)

Gene: ERCC6 (ERCC excision repair 6, chromatin remodeling factor; minus strand). Cytogenetic location: 10q11.23.
Variant type: single nucleotide variant.
Coding change: c.1901A>G on transcript NM_000124.4 (MANE Select); coding-DNA position 1901, A replaced by G.
Protein change: p.Asp634Gly; replaces aspartic acid 634 with glycine.
Molecular consequence: missense variant.
Genome position (GRCh38, 1-based): chr10:49,483,437, T>C on the plus strand (A>G on the coding strand, the complement: ERCC6 is on the minus strand). VCF-style: chr10-49483437-T-C. GRCh37 (hg19) VCF-style: chr10-50691483-T-C.
Other names: c.1901A>G, p.Asp634Gly (NM_001346440.2); short protein forms D634G.
Identifiers: ClinVar variation 1967856 (VCV001967856.2), dbSNP rs1269117037, ClinGen allele CA376724977.

ClinVar aggregate classification (germline): Uncertain significance (1 of 4 stars; one submission).

Allele frequency attached by ClinVar (database versions not stated): gnomAD exomes below 0.00001; gnomAD 0.00001.
gnomAD v4.1: 3 of 1,614,016 alleles (0.00019%); highest among the groups gnomAD compares: Middle Eastern, 0.016%; no homozygotes.

Submission:

Labcorp Genetics (formerly Invitae), Labcorp
Classification: Uncertain significance. Last evaluated: 2022-05-17. Review status: criteria provided, single submitter. Criteria: Invitae Variant Classification Sherloc (09022015). Collection method: clinical testing. Allele origin: germline.
Comment: This sequence change replaces aspartic acid, which is acidic and polar, with glycine, which is neutral and non-polar, at codon 634 of the ERCC6 protein (p.Asp634Gly). This variant is present in population databases (no rsID available, gnomAD no frequency). This variant has not been reported in the literature in individuals affected with ERCC6-related conditions. Algorithms developed to predict the effect of missense changes on protein structure and function are either unavailable or do not agree on the potential impact of this missense change (SIFT: "Deleterious"; PolyPhen-2: "Benign"; Align-GVGD: "Class C65"). In summary, the available evidence is currently insufficient to determine the role of this variant in disease. Therefore, it has been classified as a Variant of Uncertain Significance.